The following is an entry in ClinVar:

NM_001035.3(RYR2):c.1612+4A>G

Gene: RYR2 (ryanodine receptor 2; plus strand). Cytogenetic location: 1q43.
Variant type: single nucleotide variant.
Coding change: c.1612+4A>G on transcript NM_001035.3 (MANE Select); 4 bases into the intron after coding-DNA position 1612, A replaced by G.
Molecular consequence: intron variant.
Genome position (GRCh38, 1-based): chr1:237,456,739, A>G. VCF-style: chr1-237456739-A-G. GRCh37 (hg19) VCF-style: chr1-237620039-A-G.
Identifiers: ClinVar variation 2662499 (VCV002662499.2), dbSNP rs2528563267, ClinGen allele CA2574459427.

ClinVar aggregate classification (germline): Uncertain significance (1 of 4 stars; one submission).

Submission:

GeneDx
Classification: Uncertain significance. Last evaluated: 2026-04-07. Review status: criteria provided, single submitter. Criteria: GeneDx Variant Classification Process June 2021. Collection method: clinical testing. Allele origin: germline.
Comment: Not observed at significant frequency in large population cohorts (gnomAD); In silico analysis supports a deleterious effect on splicing; Has not been previously published as pathogenic or benign to our knowledge